The following is an entry in ClinVar:

ClinVar aggregate classification (germline): Uncertain significance. Review status: criteria provided, multiple submitters, no conflicts (2 of 4 stars). 7 submissions from 7 submitters: Uncertain significance (6). 1 of the submissions does not count toward it. Last evaluated 2025-07-11.

Conditions:
Cardiovascular phenotype. Identifiers: MedGen CN230736.
Alstrom syndrome (ALMS). Identifiers: Orphanet 64, MedGen C0268425, MONDO:0008763, OMIM 203800.

Allele frequency attached by ClinVar (database versions not stated): gnomAD 0.00001; TOPMed 0.00001.
gnomAD v4.1: 2 of 1,613,918 alleles (0.00012%); highest among the groups gnomAD compares: African/African-American, 0.0013%; no homozygotes.

Submissions (7):

Ambry Genetics
Classification: Uncertain significance for Cardiovascular phenotype. Last evaluated: 2025-07-11. Review status: criteria provided, single submitter. Criteria: Ambry Variant Classification Scheme 2023. Collection method: clinical testing. Allele origin: germline.
Comment: The p.R3799K variant (also known as c.11396G>A), located in coding exon 16 of the ALMS1 gene, results from a G to A substitution at nucleotide position 11396. The arginine at codon 3799 is replaced by lysine, an amino acid with highly similar properties. This amino acid position is highly conserved in available vertebrate species. In addition, this alteration is predicted to be tolerated by in silico analysis. Since supporting evidence is limited at this time, the clinical significance of this alteration remains unclear.

GeneDx
Classification: Uncertain significance. Last evaluated: 2023-12-04. Review status: criteria provided, single submitter. Criteria: GeneDx Variant Classification Process June 2021. Collection method: clinical testing. Allele origin: germline. Affected: yes.
Comment: Not observed at significant frequency in large population cohorts (gnomAD); In silico analysis supports that this missense variant does not alter protein structure/function; Has not been previously published as pathogenic or benign to our knowledge

Labcorp Genetics (formerly Invitae), Labcorp
Classification: Uncertain significance for Alstrom syndrome. Last evaluated: 2022-11-01. Review status: criteria provided, single submitter. Criteria: Invitae Variant Classification Sherloc (09022015). Collection method: clinical testing. Allele origin: germline.
Comment: This sequence change replaces arginine, which is basic and polar, with lysine, which is basic and polar, at codon 3799 of the ALMS1 protein (p.Arg3799Lys). This variant is not present in population databases (gnomAD no frequency). This variant has not been reported in the literature in individuals affected with ALMS1-related conditions. ClinVar contains an entry for this variant (Variation ID: 991353). Experimental studies and prediction algorithms are not available or were not evaluated, and the functional significance of this variant is currently unknown. In summary, the available evidence is currently insufficient to determine the role of this variant in disease. Therefore, it has been classified as a Variant of Uncertain Significance.

Blueprint Genetics
Classification: Uncertain significance. Last evaluated: 2022-09-07. Review status: criteria provided, single submitter. Criteria: ACMG Guidelines, 2015. Collection method: clinical testing. Allele origin: germline.

Fulgent Genetics
Classification: Uncertain significance for Alstrom syndrome. Last evaluated: 2022-05-14. Review status: criteria provided, single submitter. Criteria: ACMG Guidelines, 2015. Collection method: clinical testing. Allele origin: unknown.

Breakthrough Genomics
Classification: Uncertain significance. Review status: criteria provided, single submitter. Criteria: ACMG Guidelines, 2015. Collection method: not provided. Allele origin: germline. Inheritance: Autosomal recessive inheritance. Affected: yes.

Natera, Inc.
Classification: Uncertain significance for Alstrom syndrome. Last evaluated: 2020-08-14. Review status: no assertion criteria provided. Collection method: clinical testing. Allele origin: germline. Not counted in ClinVar's aggregate classification.

NM_001378454.1(ALMS1):c.11393G>A (p.Arg3798Lys)

Gene: ALMS1 (ALMS1 centrosome and basal body associated protein; plus strand). Cytogenetic location: 2p13.1.
Variant type: single nucleotide variant.
Coding change: c.11393G>A on transcript NM_001378454.1 (MANE Select); coding-DNA position 11393, G replaced by A.
Protein change: p.Arg3798Lys; replaces arginine 3798 with lysine.
Molecular consequence: missense variant.
Genome position (GRCh38, 1-based): chr2:73,573,270, G>A. VCF-style: chr2-73573270-G-A. GRCh37 (hg19) VCF-style: chr2-73800397-G-A.
Other names: c.11396G>A, p.Arg3799Lys (NM_015120.4); short protein forms R3798K, R3799K.
Identifiers: ClinVar variation 991353 (VCV000991353.17), dbSNP rs1006564458, ClinGen allele CA50387036.